The following is an entry in ClinVar:

NM_002880.4(RAF1):c.964T>C (p.Ser322Pro)

Gene: RAF1 (Raf-1 proto-oncogene, serine/threonine kinase; minus strand). Cytogenetic location: 3p25.2.
Variant type: single nucleotide variant.
Coding change: c.964T>C on transcript NM_002880.4 (MANE Select); coding-DNA position 964, T replaced by C.
Protein change: p.Ser322Pro; replaces serine 322 with proline.
Molecular consequence: missense variant. On other transcripts: non-coding transcript variant (3).
Genome position (GRCh38, 1-based): chr3:12,600,178, A>G on the plus strand (T>C on the coding strand, the complement: RAF1 is on the minus strand). VCF-style: chr3-12600178-A-G. GRCh37 (hg19) VCF-style: chr3-12641677-A-G.
Other names: c.1024T>C, p.Ser342Pro (NM_001354689.3); c.964T>C, p.Ser322Pro (NM_001354690.3); c.721T>C, p.Ser241Pro (NM_001354691.3, NM_001354692.3); c.865T>C, p.Ser289Pro (NM_001354693.3); c.781T>C, p.Ser261Pro (NM_001354694.3); c.622T>C, p.Ser208Pro (NM_001354695.3); short protein forms S241P, S322P, S342P, S208P, S261P, S289P.
Identifiers: ClinVar variation 1439566 (VCV001439566.6), dbSNP rs2125380223, ClinGen allele CA351508366.

ClinVar aggregate classification (germline): Uncertain significance (1 of 4 stars; one submission).

Conditions:
RASopathy. Also called: Noonan spectrum disorder; rasopathies. Identifiers: Orphanet 536391, MedGen C5555857, MONDO:0021060.

Submission:

Labcorp Genetics (formerly Invitae), Labcorp
Classification: Uncertain significance for RASopathy. Last evaluated: 2023-02-15. Review status: criteria provided, single submitter. Criteria: Invitae Variant Classification Sherloc (09022015). Collection method: clinical testing. Allele origin: germline.
Comment: This sequence change replaces serine, which is neutral and polar, with proline, which is neutral and non-polar, at codon 322 of the RAF1 protein (p.Ser322Pro). This variant is not present in population databases (gnomAD no frequency). This variant has not been reported in the literature in individuals affected with RAF1-related conditions. ClinVar contains an entry for this variant (Variation ID: 1439566). Algorithms developed to predict the effect of missense changes on protein structure and function output the following: SIFT: "Not Available"; PolyPhen-2: "Benign"; Align-GVGD: "Not Available". The proline amino acid residue is found in multiple mammalian species, which suggests that this missense change does not adversely affect protein function. In summary, the available evidence is currently insufficient to determine the role of this variant in disease. Therefore, it has been classified as a Variant of Uncertain Significance.